The following is an entry in ClinVar:

ClinVar aggregate classification (germline): Uncertain significance. Review status: criteria provided, multiple submitters, no conflicts (2 of 4 stars). 2 submissions from 2 submitters: Uncertain significance (2). Last evaluated 2024-04-29.

Conditions:
Chondrosarcoma. Also called: Chondrosarcoma, somatic. Identifiers: Orphanet 55880, MedGen C0008479, MONDO:0008977, OMIM 215300, HP:0006765.
Exostoses, multiple, type 1 (EXT1). Also called: Hereditary Multiple Osteochondromatosis, Type I; EXOSTOSES, MULTIPLE, TYPE I. Identifiers: MedGen CN263289, MONDO:0007585, OMIM 133700.
Multiple congenital exostosis (EXT). Also called: MULTIPLE CARTILAGINOUS EXOSTOSES; Hereditary multiple exostoses; Hereditary multiple exostosis; Multiple exostoses; Multiple osteochondromas; Hereditary multiple osteochondromas. Identifiers: Orphanet 321, MedGen C0015306, MONDO:0005508, HP:0002762.

Allele frequency attached by ClinVar (database versions not stated): gnomAD exomes below 0.00001; gnomAD 0.00001.
gnomAD v4.1: 2 of 1,613,990 alleles (0.00012%); highest among the groups gnomAD compares: Non-Finnish European, 0.00017%; no homozygotes.

Submissions (2):

Fulgent Genetics
Classification: Uncertain significance for Exostoses, multiple, type 1; Chondrosarcoma. Last evaluated: 2024-04-29. Review status: criteria provided, single submitter. Criteria: ACMG Guidelines, 2015. Collection method: clinical testing. Allele origin: germline.

Labcorp Genetics (formerly Invitae), Labcorp
Classification: Uncertain significance for Multiple congenital exostosis. Last evaluated: 2022-02-18. Review status: criteria provided, single submitter. Criteria: Invitae Variant Classification Sherloc (09022015). Collection method: clinical testing. Allele origin: germline.
Comment: In summary, the available evidence is currently insufficient to determine the role of this variant in disease. Therefore, it has been classified as a Variant of Uncertain Significance. Experimental studies have shown that this missense change does not substantially affect EXT1 function (PMID: 11391482). Algorithms developed to predict the effect of missense changes on protein structure and function are either unavailable or do not agree on the potential impact of this missense change (SIFT: "Deleterious"; PolyPhen-2: "Benign"; Align-GVGD: "Class C0"). This variant has not been reported in the literature in individuals affected with EXT1-related conditions. This variant is not present in population databases (gnomAD no frequency). This sequence change replaces asparagine, which is neutral and polar, with serine, which is neutral and polar, at codon 316 of the EXT1 protein (p.Asn316Ser).

Literature cited by the submitters: PubMed 11391482 (cited by Labcorp Genetics (formerly Invitae), Labcorp).

NM_000127.3(EXT1):c.947A>G (p.Asn316Ser)

Gene: EXT1 (exostosin glycosyltransferase 1; minus strand). Cytogenetic location: 8q24.11.
Variant type: single nucleotide variant.
Coding change: c.947A>G on transcript NM_000127.3 (MANE Select); coding-DNA position 947, A replaced by G.
Protein change: p.Asn316Ser; replaces asparagine 316 with serine.
Molecular consequence: missense variant.
Genome position (GRCh38, 1-based): chr8:118,110,100, T>C on the plus strand (A>G on the coding strand, the complement: EXT1 is on the minus strand). VCF-style: chr8-118110100-T-C. GRCh37 (hg19) VCF-style: chr8-119122339-T-C.
Other names: short protein forms N316S.
Identifiers: ClinVar variation 2136700 (VCV002136700.5), dbSNP rs1817867488, ClinGen allele CA371914689.